The following is an entry in ClinVar:

ClinVar aggregate classification (germline): Benign. Review status: criteria provided, multiple submitters, no conflicts (2 of 4 stars). 6 submissions from 6 submitters: Benign (6). Last evaluated 2026-02-02.

Conditions:
Cutis laxa, autosomal recessive, type 1B (ARCL1B). Also called: EFEMP2-Related Cutis Laxa; CUTIS LAXA, AUTOSOMAL RECESSIVE, TYPE IB. Identifiers: Orphanet 90349, MedGen C3280798, MONDO:0013754, OMIM 614437. Disease mechanism: loss of function.

Allele frequency attached by ClinVar (database versions not stated): 1000 Genomes Project 0.48502; 1000 Genomes Project 30x 0.48532; TOPMed 0.56479; gnomAD 0.59137 and 0.59356; gnomAD exomes 0.59562; ExAC 0.60414; ESP Exome Variant Server 0.61690.
gnomAD v4.1: 1,045,218 of 1,612,866 alleles (65%); highest among the groups gnomAD compares: Middle Eastern, 73%; 346,529 homozygotes.

Submissions (6):

Labcorp Genetics (formerly Invitae), Labcorp
Classification: Benign for Cutis laxa, autosomal recessive, type 1B. Last evaluated: 2026-02-02. Review status: criteria provided, single submitter. Criteria: Invitae Variant Classification Sherloc (09022015). Collection method: clinical testing. Allele origin: germline.

Genome-Nilou Lab
Classification: Benign for Cutis laxa, autosomal recessive, type 1B. Last evaluated: 2021-07-30. Review status: criteria provided, single submitter. Criteria: ACMG Guidelines, 2015. Collection method: clinical testing. Allele origin: germline. Affected: no.

GeneDx
Classification: Benign. Last evaluated: 2018-06-23. Review status: criteria provided, single submitter. Criteria: GeneDx Variant Classification Process June 2021. Collection method: clinical testing. Allele origin: germline. Affected: yes.
Comment: This variant is associated with the following publications: (PMID: 25907466)

Genome Diagnostics Laboratory, University Medical Center Utrecht
Classification: Benign for Cutis laxa, autosomal recessive, type 1B. Last evaluated: 2017-06-30. Review status: criteria provided, single submitter. Criteria: ACGS Guidelines, 2013. Collection method: clinical testing. Allele origin: germline. Affected: yes. Study: VKGL Data-share Consensus.

Clinical Genetics DNA and cytogenetics Diagnostics Lab, Erasmus MC, Erasmus Medical Center
Classification: Benign for Cutis laxa, autosomal recessive, type 1B. Last evaluated: 2015-09-21. Review status: criteria provided, single submitter. Criteria: ACGS Guidelines, 2013. Collection method: clinical testing. Allele origin: germline. Affected: yes. Study: VKGL Data-share Consensus.

Breakthrough Genomics
Classification: Benign. Review status: criteria provided, single submitter. Criteria: ACMG Guidelines, 2015. Collection method: not provided. Allele origin: germline. Inheritance: Autosomal recessive inheritance. Affected: yes.

NM_016938.5(EFEMP2):c.490+23G>C

Gene: EFEMP2 (EGF-like fibulin extracellular matrix protein 2; minus strand). Cytogenetic location: 11q13.1.
Variant type: single nucleotide variant.
Coding change: c.490+23G>C on transcript NM_016938.5 (MANE Select); 23 bases into the intron after coding-DNA position 490, G replaced by C.
Molecular consequence: intron variant.
Genome position (GRCh38, 1-based): chr11:65,870,513, C>G on the plus strand (G>C on the coding strand, the complement: EFEMP2 is on the minus strand). VCF-style: chr11-65870513-C-G. GRCh37 (hg19) VCF-style: chr11-65637984-C-G.
Identifiers: ClinVar variation 522224 (VCV000522224.16), dbSNP rs630394, ClinGen allele CA6110651.